The following is an entry in ClinVar:

NM_000135.4(FANCA):c.1993A>G (p.Thr665Ala)

Gene: FANCA (FA complementation group A; minus strand). Cytogenetic location: 16q24.3.
Variant type: single nucleotide variant.
Coding change: c.1993A>G on transcript NM_000135.4 (MANE Select); coding-DNA position 1993, A replaced by G.
Protein change: p.Thr665Ala; replaces threonine 665 with alanine.
Molecular consequence: missense variant.
Genome position (GRCh38, 1-based): chr16:89,773,292, T>C on the plus strand (A>G on the coding strand, the complement: FANCA is on the minus strand). VCF-style: chr16-89773292-T-C. GRCh37 (hg19) VCF-style: chr16-89839700-T-C.
Other names: c.1993A>G, p.Thr665Ala (NM_001286167.3); c.1993A>G (NM_000135.3); short protein forms T665A.
Identifiers: ClinVar variation 4022365 (VCV004022365.2).

ClinVar aggregate classification (germline): Uncertain significance. Review status: criteria provided, single submitter (1 of 4 stars). 2 submissions from 2 submitters: Uncertain significance (1). 1 of the submissions does not count toward it. Last evaluated 2025-06-10.

Conditions:
Fanconi anemia (FA). Also called: Fanconi's anemia. Identifiers: Orphanet 84, MedGen C0015625, MeSH D005199, MONDO:0019391.
Inborn genetic diseases. Identifiers: MedGen C0950123, MeSH D030342.

gnomAD v4.1: 2 of 1,551,116 alleles (0.00013%); highest among the groups gnomAD compares: Non-Finnish European, 0.00017%; no homozygotes.

Submissions (2):

Ambry Genetics
Classification: Uncertain significance for Inborn genetic diseases. Last evaluated: 2025-06-10. Review status: criteria provided, single submitter. Criteria: Ambry Variant Classification Scheme 2023. Collection method: clinical testing. Allele origin: germline.
Comment: The p.T665A variant (also known as c.1993A>G), located in coding exon 22 of the FANCA gene, results from an A to G substitution at nucleotide position 1993. The threonine at codon 665 is replaced by alanine, an amino acid with similar properties. This amino acid position is conserved. In addition, this alteration is predicted to be tolerated by in silico analysis. Based on the available evidence, the clinical significance of this variant remains unclear.

Natera, Inc.
Classification: Uncertain significance for Fanconi anemia. Last evaluated: 2025-01-22. Review status: no assertion criteria provided. Collection method: clinical testing. Allele origin: germline. Not counted in ClinVar's aggregate classification.